The following is an entry in ClinVar:

NM_001130438.3(SPTAN1):c.4328A>C (p.Gln1443Pro)

Gene: SPTAN1 (spectrin alpha, non-erythrocytic 1; plus strand). Cytogenetic location: 9q34.11.
Variant type: single nucleotide variant.
Coding change: c.4328A>C on transcript NM_001130438.3 (MANE Select); coding-DNA position 4328, A replaced by C.
Protein change: p.Gln1443Pro; replaces glutamine 1443 with proline.
Molecular consequence: missense variant.
Genome position (GRCh38, 1-based): chr9:128,608,033, A>C. VCF-style: chr9-128608033-A-C. GRCh37 (hg19) VCF-style: chr9-131370312-A-C.
Other names: c.4328A>C, p.Gln1443Pro (NM_001375311.2, NM_001375313.1, NM_001438443.1 and 4 more transcripts); c.4364A>C, p.Gln1455Pro (NM_001375312.2, NM_001375318.1, NM_001438440.1); c.4268A>C, p.Gln1423Pro (NM_001375314.2, NM_001438441.1, NM_001438442.1 and 3 more transcripts); short protein forms Q1423P, Q1443P, Q1455P.
Identifiers: ClinVar variation 4848868 (VCV004848868.1).

ClinVar aggregate classification (germline): Uncertain significance (1 of 4 stars; one submission).

Submission:

Women's Health and Genetics/Laboratory Corporation of America, LabCorp
Classification: Uncertain significance. Last evaluated: 2026-04-06. Review status: criteria provided, single submitter. Criteria: LabCorp Variant Classification Summary - May 2015. Collection method: clinical testing. Allele origin: germline.
Comment: Variant summary: SPTAN1 c.4328A>C (p.Gln1443Pro) results in a non-conservative amino acid change in the encoded protein sequence. Algorithms developed to predict the effect of missense changes on protein structure and function all suggest that this variant is likely to be disruptive. The variant was absent in 251466 control chromosomes. The available data on variant occurrences in the general population are insufficient to allow any conclusion about variant significance. To our knowledge, no occurrence of c.4328A>C in individuals affected with SPTAN1-related conditions and no experimental evidence demonstrating its impact on protein function have been reported. No submitters have cited clinical-significance assessments for this variant to ClinVar. Based on the evidence outlined above, the variant was classified as uncertain significance.